The following is an entry in ClinVar:

NM_013450.4(BAZ2B):c.6257T>C (p.Leu2086Pro)

Gene: BAZ2B (bromodomain adjacent to zinc finger domain 2B; minus strand). Cytogenetic location: 2q24.2.
Variant type: single nucleotide variant.
Coding change: c.6257T>C on transcript NM_013450.4 (MANE Select); coding-DNA position 6257, T replaced by C.
Protein change: p.Leu2086Pro; replaces leucine 2086 with proline.
Molecular consequence: missense variant.
Genome position (GRCh38, 1-based): chr2:159,324,907, A>G on the plus strand (T>C on the coding strand, the complement: BAZ2B is on the minus strand). VCF-style: chr2-159324907-A-G. GRCh37 (hg19) VCF-style: chr2-160181418-A-G.
Other names: c.6149T>C, p.Leu2050Pro (NM_001289975.1); c.6200T>C, p.Leu2067Pro (NM_001329857.2); c.6182T>C, p.Leu2061Pro (NM_001329858.2); short protein forms L2050P, L2061P, L2067P, L2086P.
Identifiers: ClinVar variation 3899567 (VCV003899567.1).

ClinVar aggregate classification (germline): Uncertain significance (1 of 4 stars; one submission).

Submission:

GeneDx
Classification: Uncertain significance. Last evaluated: 2024-11-10. Review status: criteria provided, single submitter. Criteria: GeneDx Variant Classification Process June 2021. Collection method: clinical testing. Allele origin: germline. Affected: yes.
Comment: Not observed at significant frequency in large population cohorts (gnomAD); In silico analysis supports that this missense variant has a deleterious effect on protein structure/function; Has not been previously published as pathogenic or benign to our knowledge